The following is an entry in ClinVar:

ClinVar aggregate classification (germline): Uncertain significance (1 of 4 stars; one submission).

Allele frequency attached by ClinVar (database versions not stated): gnomAD exomes below 0.00001.
gnomAD v4.1: 4 of 1,614,048 alleles (0.00025%); highest among the groups gnomAD compares: African/African-American, 0.0027%; no homozygotes.

Submission:

Labcorp Genetics (formerly Invitae), Labcorp
Classification: Uncertain significance. Last evaluated: 2023-08-04. Review status: criteria provided, single submitter. Criteria: Invitae Variant Classification Sherloc (09022015). Collection method: clinical testing. Allele origin: germline.
Comment: In summary, the available evidence is currently insufficient to determine the role of this variant in disease. Therefore, it has been classified as a Variant of Uncertain Significance. Advanced modeling of protein sequence and biophysical properties (such as structural, functional, and spatial information, amino acid conservation, physicochemical variation, residue mobility, and thermodynamic stability) performed at Invitae indicates that this missense variant is expected to disrupt USH2A protein function. ClinVar contains an entry for this variant (Variation ID: 1424569). This variant has not been reported in the literature in individuals affected with USH2A-related conditions. This variant is not present in population databases (gnomAD no frequency). This sequence change replaces glycine, which is neutral and non-polar, with alanine, which is neutral and non-polar, at codon 743 of the USH2A protein (p.Gly743Ala).

NM_206933.4(USH2A):c.2228G>C (p.Gly743Ala)

Gene: USH2A (usherin; minus strand). Cytogenetic location: 1q41.
Variant type: single nucleotide variant.
Coding change: c.2228G>C on transcript NM_206933.4 (MANE Select); coding-DNA position 2228, G replaced by C.
Protein change: p.Gly743Ala; replaces glycine 743 with alanine.
Molecular consequence: missense variant.
Genome position (GRCh38, 1-based): chr1:216,247,166, C>G on the plus strand (G>C on the coding strand, the complement: USH2A is on the minus strand). VCF-style: chr1-216247166-C-G. GRCh37 (hg19) VCF-style: chr1-216420508-C-G.
Other names: c.2228G>C, p.Gly743Ala (NM_007123.6); short protein forms G743A.
Identifiers: ClinVar variation 1424569 (VCV001424569.6), dbSNP rs727504638, ClinGen allele CA344865515.
Genomic context (GRCh38, chr1:216,247,166, plus strand): 5'-GAGTGAGGATTGCAGAATTTGTTCACTGAGCCATGGAGGTTACACTGGCAGGGCTCACAT[C>G]CAACATCATTAAAGCTTCGGAGAAATTTAAATCCAAAATTGCAATGATCACACCTAAGCC-3'
Protein context (NP_996816.3, residues 733-753): FKFLRSFNDV[Gly743Ala]CEPCQCNLHG